The following is an entry in ClinVar:

ClinVar aggregate classification (germline): Benign. Review status: criteria provided, multiple submitters, no conflicts (2 of 4 stars). 2 submissions from 2 submitters: Benign (2). Last evaluated 2018-01-12.

Conditions:
Hermansky-Pudlak syndrome 1 (HPS1). Also called: DELTA STORAGE POOL DISEASE. Identifiers: Orphanet 231500, Orphanet 79430, MedGen C2931875, MONDO:0008748, OMIM 203300.

Allele frequency attached by ClinVar (database versions not stated): gnomAD exomes 0.41667; gnomAD 0.48408 and 0.48464; TOPMed 0.50067; 1000 Genomes Project 30x 0.58869; 1000 Genomes Project 0.59046.
gnomAD v4.1: 73,548 of 152,232 alleles (48%); highest among the groups gnomAD compares: African/African-American, 76%; 20,363 homozygotes.

Submissions (2):

Illumina Laboratory Services, Illumina
Classification: Benign for Hermansky-Pudlak syndrome 1. Last evaluated: 2018-01-12. Review status: criteria provided, single submitter. Criteria: ICSL Variant Classification Criteria 13 December 2019. Collection method: clinical testing. Allele origin: germline.
Comment: This variant was observed in the ICSL laboratory as part of a predisposition screen in an ostensibly healthy population. It had not been previously curated by ICSL or reported in the Human Gene Mutation Database (HGMD: prior to June 1st, 2018), and was therefore a candidate for classification through an automated scoring system. Utilizing variant allele frequency, disease prevalence and penetrance estimates, and inheritance mode, an automated score was calculated to assess if this variant is too frequent to cause the disease. Based on the score and internal cut-off values, a variant classified as benign is not then subjected to further curation. The score for this variant resulted in a classification of benign for this disease.

Breakthrough Genomics
Classification: Benign. Review status: criteria provided, single submitter. Criteria: ACMG Guidelines, 2015. Collection method: not provided. Allele origin: germline. Inheritance: Autosomal recessive inheritance. Affected: yes.

NM_000195.5(HPS1):c.*706C>G

Gene: HPS1 (HPS1 biogenesis of lysosomal organelles complex 3 subunit 1; minus strand). Cytogenetic location: 10q24.2.
Variant type: single nucleotide variant.
Coding change: c.*706C>G on transcript NM_000195.5 (MANE Select); 706 bases downstream of the stop codon, C replaced by G.
Molecular consequence: 3 prime UTR variant.
Genome position (GRCh38, 1-based): chr10:98,416,858, G>C on the plus strand (C>G on the coding strand, the complement: HPS1 is on the minus strand). VCF-style: chr10-98416858-G-C. GRCh37 (hg19) VCF-style: chr10-100176615-G-C.
Other names: c.*706C>G (NM_001311345.2, NM_001322476.2, NM_001322477.2 and 10 more transcripts).
Identifiers: ClinVar variation 298322 (VCV000298322.6), dbSNP rs3830020, ClinGen allele CA10629602.